The following is an entry in ClinVar:

NM_006139.4(CD28):c.534+17T>C

Gene: CD28 (CD28 molecule; plus strand). Cytogenetic location: 2q33.2.
Variant type: single nucleotide variant.
Coding change: c.534+17T>C on transcript NM_006139.4 (MANE Select); 17 bases into the intron after coding-DNA position 534, T replaced by C.
Molecular consequence: intron variant.
Genome position (GRCh38, 1-based): chr2:203,729,789, T>C. VCF-style: chr2-203729789-T-C. GRCh37 (hg19) VCF-style: chr2-204594512-T-C.
Other names: c.576+17T>C (NM_001410981.1); c.243+17T>C (NM_001243077.2); c.177+17T>C (NM_001243078.2).
Identifiers: ClinVar variation 2688238 (VCV002688238.2), dbSNP rs3116496, ClinGen allele CA2066957.

ClinVar aggregate classification (germline): Benign (1 of 4 stars; one submission).

Allele frequency attached by ClinVar (database versions not stated): 1000 Genomes Project 30x 0.09603; 1000 Genomes Project 0.09625; TOPMed 0.13464; gnomAD 0.13573; ESP Exome Variant Server 0.14424; ExAC 0.14438; gnomAD exomes 0.16541.
gnomAD v4.1: 261,325 of 1,607,574 alleles (16%); highest among the groups gnomAD compares: Middle Eastern, 23%; 22,979 homozygotes.

Submission:

Unidad de Genómica Garrahan, Hospital de Pediatría Garrahan
Classification: Benign. Last evaluated: 2024-01-24. Review status: criteria provided, single submitter. Criteria: ACMG Guidelines, 2015. Collection method: clinical testing. Allele origin: germline. Affected: no. Observed: 30 variant alleles.
Comment: This variant is classified as Benign based on local population frequency. This variant was detected in 32% of patients studied by a panel of primary immunodeficiencies. Number of patients: 30. Only high quality variants are reported.